The following is an entry in ClinVar:

ClinVar aggregate classification (germline): Pathogenic (1 of 4 stars; one submission).

Conditions:
Hypertrophic cardiomyopathy 4. Also called: Familial hypertrophic cardiomyopathy 4. Identifiers: MedGen C1861862, MONDO:0007268, OMIM 115197.

Submission:

Molecular Genetics Laboratory, Motol Hospital
Classification: Pathogenic for Hypertrophic cardiomyopathy 4. Review status: criteria provided, single submitter. Criteria: ACMG Guidelines, 2015. Collection method: clinical testing. Allele origin: germline. Inheritance: Autosomal dominant inheritance. Affected: yes. Observed: 1 heterozygote.
Comment: In summary, this variant meets criteria to be classified as pathogenic for Hypertrophic cardiomyopathy based on the ACMG/AMP criteria PVS1, PM2, PP1.

Literature cited by the submitters: PubMed 7352859.

NM_000256.3(MYBPC3):c.2068-9T>A

Gene: MYBPC3 (myosin binding protein C3; minus strand). Cytogenetic location: 11p11.2.
Variant type: single nucleotide variant.
Coding change: c.2068-9T>A on transcript NM_000256.3 (MANE Select); 9 bases into the intron before coding-DNA position 2068, T replaced by A.
Molecular consequence: intron variant.
Genome position (GRCh38, 1-based): chr11:47,339,413, A>T on the plus strand (T>A on the coding strand, the complement: MYBPC3 is on the minus strand). VCF-style: chr11-47339413-A-T. GRCh37 (hg19) VCF-style: chr11-47360964-A-T.
Identifiers: ClinVar variation 3370308 (VCV003370308.1).